The following is an entry in ClinVar:

NM_014754.3(PTDSS1):c.55A>G (p.Met19Val)

Gene: PTDSS1 (phosphatidylserine synthase 1; plus strand). Cytogenetic location: 8q22.1.
Variant type: single nucleotide variant.
Coding change: c.55A>G on transcript NM_014754.3 (MANE Select); coding-DNA position 55, A replaced by G.
Protein change: p.Met19Val; replaces methionine 19 with valine.
Molecular consequence: missense variant. On other transcripts: 5 prime UTR variant (1).
Genome position (GRCh38, 1-based): chr8:96,262,095, A>G. VCF-style: chr8-96262095-A-G. GRCh37 (hg19) VCF-style: chr8-97274323-A-G.
Other names: c.-214A>G (NM_001290225.2); short protein forms M19V.
Identifiers: ClinVar variation 4805315 (VCV004805315.1).

ClinVar aggregate classification (germline): Uncertain significance (1 of 4 stars; one submission).

Submission:

Labcorp Genetics (formerly Invitae), Labcorp
Classification: Uncertain significance. Last evaluated: 2026-01-12. Review status: criteria provided, single submitter. Criteria: Invitae Variant Classification Sherloc (09022015). Collection method: clinical testing. Allele origin: germline.
Comment: This sequence change replaces methionine, which is neutral and non-polar, with valine, which is neutral and non-polar, at codon 19 of the PTDSS1 protein (p.Met19Val). This variant is not present in population databases (gnomAD no frequency). This variant has not been reported in the literature in individuals affected with PTDSS1-related conditions. An algorithm developed to predict the effect of missense changes on protein structure and function (PolyPhen-2) suggests that this variant is likely to be tolerated. In summary, the available evidence is currently insufficient to determine the role of this variant in disease. Therefore, it has been classified as a Variant of Uncertain Significance.